The following is an entry in ClinVar:

NM_013447.4(ADGRE2):c.2024+1G>A

Gene: ADGRE2 (adhesion G protein-coupled receptor E2; minus strand). Cytogenetic location: 19p13.12.
Variant type: single nucleotide variant.
Coding change: c.2024+1G>A on transcript NM_013447.4 (MANE Select); the canonical splice donor site of the intron after coding-DNA position 2024, G replaced by A.
Molecular consequence: splice donor variant.
Genome position (GRCh38, 1-based): chr19:14,751,435, C>T on the plus strand (G>A on the coding strand, the complement: ADGRE2 is on the minus strand). VCF-style: chr19-14751435-C-T. GRCh37 (hg19) VCF-style: chr19-14862247-C-T.
Other names: c.1745+1G>A (NM_152917.2); c.1877+1G>A (NM_152916.2); c.1850+1G>A (NM_001271052.1).
Identifiers: ClinVar variation 2075543 (VCV002075543.5), dbSNP rs142522626, ClinGen allele CA9257541.

ClinVar aggregate classification (germline): Uncertain significance (1 of 4 stars; one submission).

Allele frequency attached by ClinVar (database versions not stated): TOPMed 0.00024; gnomAD exomes 0.00025; gnomAD 0.00027; ESP Exome Variant Server 0.00023; ExAC 0.00039; 1000 Genomes Project 0.00060; 1000 Genomes Project 30x 0.00078.
gnomAD v4.1: 409 of 1,611,544 alleles (0.025%); highest among the groups gnomAD compares: South Asian, 0.18%; 1 homozygote.

Submissions (4):

Labcorp Genetics (formerly Invitae), Labcorp
Classification: Uncertain significance. Last evaluated: 2026-01-26. Review status: criteria provided, single submitter. Criteria: Invitae Variant Classification Sherloc (09022015). Collection method: clinical testing. Allele origin: germline.
Comment: This sequence change affects a donor splice site in intron 16 of the ADGRE2 gene. It is expected to disrupt RNA splicing. Variants that disrupt the donor or acceptor splice site typically lead to a loss of protein function (PMID: 16199547), however the current clinical and genetic evidence is not sufficient to establish whether loss-of-function variants in ADGRE2 cause disease. This variant is present in population databases (rs142522626, gnomAD 0.2%), and has an allele count higher than expected for a pathogenic variant. Disruption of this splice site has been observed in individual(s) with clinical features of ADGRE2-related conditions (PMID: 35753512). ClinVar contains an entry for this variant (Variation ID: 2075543). Algorithms developed to predict the effect of sequence changes on RNA splicing suggest that this variant may disrupt the consensus splice site. In summary, the available evidence is currently insufficient to determine the role of this variant in disease. Therefore, it has been classified as a Variant of Uncertain Significance.

Dr. Peter K. Rogan Lab, Western University
No classification provided (evidence only). Condition: Malignant tumor of urinary bladder. Review status: no classification provided. Collection method: in vitro. Allele origin: not applicable. Functional consequence: retained intron. Not counted in ClinVar's aggregate classification.

Dr. Peter K. Rogan Lab, Western University
No classification provided (evidence only). Condition: Familial cancer of breast. Review status: no classification provided. Collection method: in vitro. Allele origin: not applicable. Functional consequence: retained intron. Not counted in ClinVar's aggregate classification.

Dr. Peter K. Rogan Lab, Western University
No classification provided (evidence only). Condition: Sarcoma. Review status: no classification provided. Collection method: in vitro. Allele origin: not applicable. Functional consequence: retained intron. Not counted in ClinVar's aggregate classification.

Literature cited by the submitters: PubMed 16199547 (cited by Labcorp Genetics (formerly Invitae), Labcorp); PubMed 35753512 (cited by Labcorp Genetics (formerly Invitae), Labcorp).